The following is an entry in ClinVar:

NM_001166108.2(PALLD):c.1965-12532C>G

Gene: PALLD (palladin, cytoskeletal associated protein; plus strand). Cytogenetic location: 4q32.3.
Variant type: single nucleotide variant.
Coding change: c.1965-12532C>G on transcript NM_001166108.2 (MANE Select); 12532 bases into the intron before coding-DNA position 1965, C replaced by G.
Molecular consequence: intron variant. On other transcripts: missense variant (1).
Genome position (GRCh38, 1-based): chr4:168,878,390, C>G. VCF-style: chr4-168878390-C-G. GRCh37 (hg19) VCF-style: chr4-169799541-C-G.
Other names: c.499C>G, p.Pro167Ala (NM_001166110.2); c.1965-12532C>G (NM_016081.4); c.819-12532C>G (NM_001166109.2); c.-157-12532C>G (NM_001367570.1, NM_001367568.1, NM_001367567.1 and 1 more transcripts); short protein forms P167A.
Identifiers: ClinVar variation 3885264 (VCV003885264.2).
Genomic context (GRCh38, chr4:168,878,390, plus strand): 5'-CTGCCCTCGCAGCCGCCGCCGGCGGCCGTCAACGCCCTGGGGCTGCCCAAGGGTGTCACC[C>G]CCGCGTGAGTAACCGCCGCGGTCCTCCACTTCCCTGCCCCTCCGCCTCGGGTCGCCCTGG-3'

ClinVar aggregate classification (germline): Uncertain significance. Review status: criteria provided, multiple submitters, no conflicts (2 of 4 stars). 2 submissions from 2 submitters: Uncertain significance (2). Last evaluated 2025-05-23.

Conditions:
Pancreatic adenocarcinoma. Identifiers: MedGen C0281361, MONDO:0006047, HP:0006725.

gnomAD v4.1: 2 of 1,490,662 alleles (0.00013%); highest among the groups gnomAD compares: Admixed American, 0.0022%; no homozygotes.

Submissions (2):

Labcorp Genetics (formerly Invitae), Labcorp
Classification: Uncertain significance for Pancreatic adenocarcinoma. Last evaluated: 2025-05-23. Review status: criteria provided, single submitter. Criteria: Invitae Variant Classification Sherloc (09022015). Collection method: clinical testing. Allele origin: germline.
Comment: This sequence change replaces proline, which is neutral and non-polar, with alanine, which is neutral and non-polar, at codon 167 of the PALLD protein (p.Pro167Ala). This variant is not present in population databases (gnomAD no frequency). This variant has not been reported in the literature in individuals affected with PALLD-related conditions. ClinVar contains an entry for this variant (Variation ID: 3885264). An algorithm developed to predict the effect of missense changes on protein structure and function (PolyPhen-2) suggests that this variant is likely to be tolerated. In summary, the available evidence is currently insufficient to determine the role of this variant in disease. Therefore, it has been classified as a Variant of Uncertain Significance.

Ambry Genetics
Classification: Uncertain significance. Last evaluated: 2025-01-30. Review status: criteria provided, single submitter. Criteria: Ambry Variant Classification Scheme 2023. Collection method: clinical testing. Allele origin: germline.
Comment: The p.P167A variant (also known as c.499C>G), located in coding exon 1 of the PALLD gene, results from a C to G substitution at nucleotide position 499. The proline at codon 167 is replaced by alanine, an amino acid with highly similar properties. This amino acid position is conserved. In addition, this alteration is predicted to be tolerated by in silico analysis. Based on the available evidence, the clinical significance of this variant remains unclear.